The following is an entry in ClinVar:

ClinVar aggregate classification (germline): Uncertain significance (1 of 4 stars; one submission).

Conditions:
Retinoblastoma (RB1). Also called: RETINOBLASTOMA, SOMATIC. Identifiers: Orphanet 790, MedGen C0035335, MeSH D012175, MONDO:0008380, OMIM 180200, HP:0009919. Disease mechanism: loss of function. Inheritance: Both sporadic and heritable forms are tested..

Submission:

Labcorp Genetics (formerly Invitae), Labcorp
Classification: Uncertain significance for Retinoblastoma. Last evaluated: 2020-10-08. Review status: criteria provided, single submitter. Criteria: Invitae Variant Classification Sherloc (09022015). Collection method: clinical testing. Allele origin: germline.
Comment: This sequence change replaces valine with methionine at codon 366 of the RB1 protein (p.Val366Met). The valine residue is moderately conserved and there is a small physicochemical difference between valine and methionine. This variant is not present in population databases (ExAC no frequency). This variant has not been reported in the literature in individuals with RB1-related conditions. Algorithms developed to predict the effect of missense changes on protein structure and function output the following: SIFT: "Tolerated"; PolyPhen-2: "Benign"; Align-GVGD: "Class C0". The methionine amino acid residue is found in multiple mammalian species, suggesting that this missense change does not adversely affect protein function. These predictions have not been confirmed by published functional studies and their clinical significance is uncertain. In summary, the available evidence is currently insufficient to determine the role of this variant in disease. Therefore, it has been classified as a Variant of Uncertain Significance.

NM_000321.3(RB1):c.1096G>A (p.Val366Met)

Gene: RB1 (RB transcriptional corepressor 1; plus strand). Cytogenetic location: 13q14.2.
Variant type: single nucleotide variant.
Coding change: c.1096G>A on transcript NM_000321.3 (MANE Select); coding-DNA position 1096, G replaced by A.
Protein change: p.Val366Met; replaces valine 366 with methionine.
Molecular consequence: missense variant.
Genome position (GRCh38, 1-based): chr13:48,368,573, G>A. VCF-style: chr13-48368573-G-A. GRCh37 (hg19) VCF-style: chr13-48942709-G-A.
Other names: short protein forms V366M.
Identifiers: ClinVar variation 1061772 (VCV001061772.9), dbSNP rs1952727256, ClinGen allele CA388161262.